The following is an entry in ClinVar:

NM_001041.4(SI):c.3233G>A (p.Arg1078Gln)

Gene: SI (sucrase-isomaltase; minus strand). Cytogenetic location: 3q26.1.
Variant type: single nucleotide variant.
Coding change: c.3233G>A on transcript NM_001041.4 (MANE Select); coding-DNA position 3233, G replaced by A.
Protein change: p.Arg1078Gln; replaces arginine 1078 with glutamine.
Molecular consequence: missense variant.
Genome position (GRCh38, 1-based): chr3:165,021,250, C>T on the plus strand (G>A on the coding strand, the complement: SI is on the minus strand). VCF-style: chr3-165021250-C-T. GRCh37 (hg19) VCF-style: chr3-164739038-C-T.
Other names: c.3233G>A (NM_001041.3); short protein forms R1078Q.
Identifiers: ClinVar variation 2073146 (VCV002073146.4), dbSNP rs747616640, ClinGen allele CA2690346.

ClinVar aggregate classification (germline): Uncertain significance. Review status: criteria provided, multiple submitters, no conflicts (2 of 4 stars). 3 submissions from 3 submitters: Uncertain significance (3). Last evaluated 2023-12-13.

Conditions:
Inborn genetic diseases. Identifiers: MedGen C0950123, MeSH D030342.
SI-related disorder. Also called: SI-related condition.

Allele frequency attached by ClinVar (database versions not stated): ExAC 0.00001; gnomAD 0.00007.
gnomAD v4.1: 26 of 1,610,966 alleles (0.0016%); highest among the groups gnomAD compares: African/African-American, 0.011%; no homozygotes.

Submissions (3):

Ambry Genetics
Classification: Uncertain significance for Inborn genetic diseases. Last evaluated: 2023-12-13. Review status: criteria provided, single submitter. Criteria: Ambry Variant Classification Scheme 2023. Collection method: clinical testing. Allele origin: germline.

Labcorp Genetics (formerly Invitae), Labcorp
Classification: Uncertain significance. Last evaluated: 2023-11-18. Review status: criteria provided, single submitter. Criteria: Invitae Variant Classification Sherloc (09022015). Collection method: clinical testing. Allele origin: germline.
Comment: This sequence change replaces arginine, which is basic and polar, with glutamine, which is neutral and polar, at codon 1078 of the SI protein (p.Arg1078Gln). This variant is present in population databases (rs747616640, gnomAD 0.003%). This variant has not been reported in the literature in individuals affected with SI-related conditions. ClinVar contains an entry for this variant (Variation ID: 2073146). Advanced modeling of protein sequence and biophysical properties (such as structural, functional, and spatial information, amino acid conservation, physicochemical variation, residue mobility, and thermodynamic stability) has been performed at Invitae for this missense variant, however the output from this modeling did not meet the statistical confidence thresholds required to predict the impact of this variant on SI protein function. In summary, the available evidence is currently insufficient to determine the role of this variant in disease. Therefore, it has been classified as a Variant of Uncertain Significance.

PreventionGenetics, part of Exact Sciences
Classification: Uncertain significance for SI-related condition. Last evaluated: 2023-07-28. Review status: criteria provided, single submitter. Criteria: ACMG Guidelines, 2015. Collection method: clinical testing. Allele origin: germline.
Comment: The SI c.3233G>A variant is predicted to result in the amino acid substitution p.Arg1078Gln. To our knowledge, this variant has not been reported in the literature. This variant is reported in 0.0033% of alleles in individuals of South Asian descent in gnomAD. At this time, the clinical significance of this variant is uncertain due to the absence of conclusive functional and genetic evidence.